The following is an entry in ClinVar:

NM_001114753.3(ENG):c.1311+114del

Genes: ENG (endoglin; minus strand), LOC102723566 (uncharacterized LOC102723566; plus strand). Cytogenetic location: 9q34.11.
Variant type: Deletion.
Coding change: c.1311+114del on transcript NM_001114753.3 (MANE Select); 114 bases into the intron after coding-DNA position 1311, one base deleted (T; older notation c.1311+114delT).
Molecular consequence: intron variant.
Genome position (GRCh38, 1-based): chr9:127,819,508, A deleted on the plus strand (T on the coding strand, the reverse complement: ENG is on the minus strand). VCF-style (leftmost placement, unchanged base first): chr9-127819507-CA-C. GRCh37 (hg19) VCF-style: chr9-130581786-CA-C.
Other names: c.1311+114del (NM_000118.4); c.765+114del (NM_001278138.2).
Identifiers: ClinVar variation 1698701 (VCV001698701.1), dbSNP rs2131878298, ClinGen allele CA2580079572.

ClinVar aggregate classification (germline): Pathogenic (1 of 4 stars; one submission).

Submission:

Seattle Children's Hospital Molecular Genetics Laboratory, Seattle Children's Hospital
Classification: Pathogenic. Last evaluated: 2020-07-23. Review status: criteria provided, single submitter. Criteria: ACMG Guidelines, 2015. Collection method: clinical testing. Allele origin: germline. Inheritance: Autosomal dominant inheritance. Affected: yes.
Comment: Exon-level array analysis identified a heterozygous ~0.7 kb deletion within the ENG gene that spans exons 9 and 10 (NM_000118). This deletion is predicted to preserve the reading frame. Similar deletions have been reported in the literature in individuals with Hereditary Hemorrhagic Telangiectasia (HHT) (PMID: 20414677). Similar deletions have also been reported in ClinGen as pathogenic (Accessions: RCV000708067.3, RCV000527587.2, RCV000457497.3, RCV000822556.2).

Literature cited by the submitters: PubMed 20414677.